The following is an entry in ClinVar:

NM_001113378.2(FANCI):c.976-13A>T

Gene: FANCI (FA complementation group I; plus strand). Cytogenetic location: 15q26.1.
Variant type: single nucleotide variant.
Coding change: c.976-13A>T on transcript NM_001113378.2 (MANE Select); 13 bases into the intron before coding-DNA position 976, A replaced by T.
Molecular consequence: intron variant.
Genome position (GRCh38, 1-based): chr15:89,274,155, A>T. VCF-style: chr15-89274155-A-T. GRCh37 (hg19) VCF-style: chr15-89817386-A-T.
Other names: c.976-13A>T (NM_018193.3, NM_001376911.1); c.697-13A>T (NM_001376910.1).
Identifiers: ClinVar variation 317268 (VCV000317268.29), dbSNP rs145864790, ClinGen allele CA7722895.

ClinVar aggregate classification (germline): Conflicting classifications of pathogenicity. Review status: criteria provided, conflicting classifications (1 of 4 stars). 5 submissions from 5 submitters: Uncertain significance (1); Benign (1); Likely benign (3). Last evaluated 2026-07-01.

Conditions:
Fanconi anemia (FA). Also called: Fanconi's anemia. Identifiers: Orphanet 84, MedGen C0015625, MeSH D005199, MONDO:0019391.
Fanconi anemia complementation group I (FANCI). Also called: FANCI-Related Fanconi Anemia. Identifiers: Orphanet 84, MedGen C1836861, MONDO:0012186, OMIM 609053.

Allele frequency attached by ClinVar (database versions not stated): TOPMed 0.00157; 1000 Genomes Project 30x 0.00297; 1000 Genomes Project 0.00379; ExAC 0.00387; gnomAD 0.00501.
gnomAD v4.1: 3,061 of 1,526,084 alleles (0.2%); highest among the groups gnomAD compares: East Asian, 1.4%; 34 homozygotes.

Submissions (5):

CeGaT Center for Human Genetics Tuebingen
Classification: Likely benign. Last evaluated: 2026-07-01. Review status: criteria provided, single submitter. Criteria: CeGaT Center For Human Genetics Tuebingen Variant Classification Criteria Version 2. Collection method: clinical testing. Allele origin: germline. Affected: yes. Observed: 4 variant alleles.
Comment: FANCI: BS1

Labcorp Genetics (formerly Invitae), Labcorp
Classification: Benign for Fanconi anemia. Last evaluated: 2026-02-01. Review status: criteria provided, single submitter. Criteria: Invitae Variant Classification Sherloc (09022015). Collection method: clinical testing. Allele origin: germline.

Blueprint Genetics
Classification: Likely benign. Last evaluated: 2024-11-13. Review status: criteria provided, single submitter. Criteria: ACMG Guidelines, 2015. Collection method: clinical testing. Allele origin: germline.

KCCC/NGS Laboratory, Kuwait Cancer Control Center
Classification: Likely benign for Fanconi anemia complementation group I. Last evaluated: 2023-07-07. Review status: criteria provided, single submitter. Criteria: ACMG Guidelines, 2015. Collection method: clinical testing. Allele origin: germline. Affected: yes.

Illumina Laboratory Services, Illumina
Classification: Uncertain significance for Fanconi anemia complementation group I. Last evaluated: 2018-01-12. Review status: criteria provided, single submitter. Criteria: ICSL Variant Classification Criteria 13 December 2019. Collection method: clinical testing. Allele origin: germline.